The following is an entry in ClinVar:

ClinVar aggregate classification (germline): Likely pathogenic (1 of 4 stars; one submission).

Conditions:
Developmental and epileptic encephalopathy 97 (DEE97). Identifiers: MedGen C5561999, MONDO:0030453, OMIM 619561.

Submission:

3billion
Classification: Likely pathogenic for Developmental and epileptic encephalopathy 97. Last evaluated: 2025-07-16. Review status: criteria provided, single submitter. Criteria: ACMG Guidelines, 2015. Collection method: clinical testing. Allele origin: germline. Affected: yes.
Comment: The variant is not observed in the gnomAD v4.1.0 dataset. Predicted Consequence/Location: Frameshift: predicted to result in a loss or disruption of normal protein function through nonsense-mediated decay (NMD) or protein truncation. Multiple pathogenic variants are reported downstream of the variant. Therefore, this variant is classified as Likely pathogenic according to the recommendation of ACMG/AMP guideline.

NM_001326342.2(CELF2):c.37_38del (p.Met13fs)

Gene: CELF2 (CUGBP Elav-like family member 2; plus strand). Cytogenetic location: 10p14.
Variant type: Deletion.
Coding change: c.37_38del on transcript NM_001326342.2 (MANE Select); coding-DNA positions 37 to 38, 2 bases deleted (AT; older notation c.37_38delAT).
Protein change: p.Met13fs; shifts the reading frame from methionine 13.
Molecular consequence: frameshift variant. On other transcripts: intron variant (24).
Genome position (GRCh38, 1-based): chr10:11,018,126-11,018,127, AT deleted. VCF-style (leftmost placement, unchanged base first): chr10-11018125-CAT-C. GRCh37 (hg19) VCF-style: chr10-11060088-CAT-C.
Other names: c.37_38del, p.Met13fs (NM_001326340.2, NM_001326341.2, NM_001326343.2 and 4 more transcripts); c.-20+98127_-20+98128del (NM_001326323.2, NM_001326320.2, NM_001326321.2 and 4 more transcripts); c.-20+77672_-20+77673del (NM_001326319.2); c.146+98127_146+98128del (NM_001326325.2); c.89+98127_89+98128del (NM_001326327.2, NM_001326326.2); c.-20+13128_-20+13129del (NM_001326330.2, NM_001326329.2); c.-205+12686_-205+12687del (NM_001326334.2); c.53+12686_53+12687del (NM_001326336.2, NM_001326335.2, NM_001326337.2 and 4 more transcripts); and 2 more; short protein forms M13fs.
Identifiers: ClinVar variation 4854398 (VCV004854398.1).